The following is an entry in ClinVar:

NM_006080.3(SEMA3A):c.1032C>T (p.Ser344=)

Gene: SEMA3A (semaphorin 3A; minus strand). Cytogenetic location: 7q21.11.
Variant type: single nucleotide variant.
Coding change: c.1032C>T on transcript NM_006080.3 (MANE Select); coding-DNA position 1032, C replaced by T.
Protein change: p.Ser344=; no amino-acid change (serine 344 retained).
Molecular consequence: synonymous variant.
Genome position (GRCh38, 1-based): chr7:84,007,461, G>A on the plus strand (C>T on the coding strand, the complement: SEMA3A is on the minus strand). VCF-style: chr7-84007461-G-A. GRCh37 (hg19) VCF-style: chr7-83636777-G-A.
Identifiers: ClinVar variation 3357606 (VCV003357606.1).

ClinVar aggregate classification (germline): Likely benign (0 of 4 stars; one submission).

Conditions:
SEMA3A-related disorder. Also called: SEMA3A-related condition.

gnomAD v4.1: 4 of 1,602,868 alleles (0.00025%); highest among the groups gnomAD compares: African/African-American, 0.0054%; no homozygotes.

Submission:

PreventionGenetics, part of Exact Sciences
Classification: Likely benign for SEMA3A-related condition. Last evaluated: 2021-08-03. Review status: no assertion criteria provided. Collection method: clinical testing. Allele origin: germline.
Comment: This variant is classified as likely benign based on ACMG/AMP sequence variant interpretation guidelines (Richards et al. 2015 PMID: 25741868, with internal and published modifications).